The following is an entry in ClinVar:

NM_014112.5(TRPS1):c.964C>T (p.Gln322Ter)

Gene: TRPS1 (transcriptional repressor GATA binding 1; minus strand). Cytogenetic location: 8q23.3.
Variant type: single nucleotide variant.
Coding change: c.964C>T on transcript NM_014112.5 (MANE Select); coding-DNA position 964, C replaced by T.
Protein change: p.Gln322Ter; replaces glutamine 322 with a stop codon.
Molecular consequence: nonsense.
Genome position (GRCh38, 1-based): chr8:115,619,134, G>A on the plus strand (C>T on the coding strand, the complement: TRPS1 is on the minus strand). VCF-style: chr8-115619134-G-A. GRCh37 (hg19) VCF-style: chr8-116631361-G-A.
Other names: c.937C>T, p.Gln313Ter (NM_001282902.3); c.943C>T, p.Gln315Ter (NM_001282903.3); c.925C>T, p.Gln309Ter (NM_001330599.2); short protein forms Q313*, Q315*, Q322*, Q309*.
Identifiers: ClinVar variation 1427092 (VCV001427092.7), dbSNP rs2130530613, ClinGen allele CA372068474.

ClinVar aggregate classification (germline): Pathogenic/Likely pathogenic. Review status: criteria provided, multiple submitters, no conflicts (2 of 4 stars). 2 submissions from 2 submitters: Pathogenic (1); Likely pathogenic (1). Last evaluated 2021-01-27.

Conditions:
TRPS1-related disorder. Also called: TRPS1-related condition.
Trichorhinophalangeal dysplasia type I (TRPS1). Also called: TRPS I; TRICHORHINOPHALANGEAL SYNDROME, TYPE I. Identifiers: Orphanet 77258, MedGen C0432233, MONDO:0008596, OMIM 190350.
Trichorhinophalangeal syndrome, type III (TRPS3). Also called: SUGIO-KAJII SYNDROME. Identifiers: Orphanet 77258, MedGen C1860823, OMIM 190351, MONDO:0008597.

Submissions (2):

Labcorp Genetics (formerly Invitae), Labcorp
Classification: Pathogenic for Trichorhinophalangeal syndrome, type III; Trichorhinophalangeal dysplasia type I. Last evaluated: 2021-01-27. Review status: criteria provided, single submitter. Criteria: Invitae Variant Classification Sherloc (09022015). Collection method: clinical testing. Allele origin: germline.
Comment: For these reasons, this variant has been classified as Pathogenic. Algorithms developed to predict the effect of sequence changes on RNA splicing suggest that this variant may create or strengthen a splice site, but this prediction has not been confirmed by published transcriptional studies. This variant has not been reported in the literature in individuals with TRPS1-related conditions. This variant is not present in population databases (ExAC no frequency). This sequence change creates a premature translational stop signal (p.Gln322*) in the TRPS1 gene. It is expected to result in an absent or disrupted protein product. Loss-of-function variants in TRPS1 are known to be pathogenic (PMID: 11112658).

Blueprint Genetics
Classification: Likely pathogenic for TRPS1-related disorders. Last evaluated: 2020-03-25. Review status: criteria provided, single submitter. Criteria: ACMG Guidelines, 2015. Collection method: clinical testing. Allele origin: germline. Affected: yes. Observed: 1 variant allele.

Literature cited by the submitters: PubMed 11112658 (cited by Labcorp Genetics (formerly Invitae), Labcorp).